The following is an entry in ClinVar:

NM_000455.5(STK11):c.8TGG[1] (p.Val4del)

Gene: STK11 (serine/threonine kinase 11; plus strand). Cytogenetic location: 19p13.3.
Variant type: Microsatellite.
Coding change: c.8TGG[1] on transcript NM_000455.5 (MANE Select); one copy of the 3-base unit TGG starting at c.8; the reference has two copies in a row; one copy, 3 bases deleted.
Protein change: p.Val4del; deletes valine 4.
Molecular consequence: inframe deletion.
Genome position (GRCh38, 1-based): chr19:1,206,924-1,206,926, TGG deleted; deleting any 3 consecutive bases within chr19:1,206,919-1,206,926 gives the same sequence; the position shown is the placement nearest the transcript's 3' end. VCF-style (leftmost placement, unchanged base first): chr19-1206918-AGGT-A. GRCh37 (hg19) VCF-style: chr19-1206917-AGGT-A.
Other names: c.11_13delTGG (NM_000455.4); short protein forms V4del.
Identifiers: ClinVar variation 458011 (VCV000458011.13), dbSNP rs1555734848, ClinGen allele CA658656737.

ClinVar aggregate classification (germline): Uncertain significance. Review status: criteria provided, multiple submitters, no conflicts (2 of 4 stars). 2 submissions from 2 submitters: Uncertain significance (2). Last evaluated 2019-09-27.

Conditions:
Hereditary cancer-predisposing syndrome. Also called: Hereditary Cancer Syndrome; Hereditary neoplastic syndrome; Tumor predisposition; Neoplastic Syndromes, Hereditary. Identifiers: Orphanet 140162, MedGen C0027672, MeSH D009386, MONDO:0015356.
Peutz-Jeghers syndrome (PJS). Also called: POLYPOSIS, HAMARTOMATOUS INTESTINAL; POLYPS-AND-SPOTS SYNDROME; Peutz-Jeghers polyposis; Periorificial lentiginosis syndrome. Identifiers: Orphanet 2869, MedGen C0031269, MeSH D010580, MONDO:0008280, OMIM 175200.

Submissions (2):

Labcorp Genetics (formerly Invitae), Labcorp
Classification: Uncertain significance for Peutz-Jeghers syndrome. Last evaluated: 2019-09-27. Review status: criteria provided, single submitter. Criteria: Invitae Variant Classification Sherloc (09022015). Collection method: clinical testing. Allele origin: germline.
Comment: In summary, the available evidence is currently insufficient to determine the role of this variant in disease. Therefore, it has been classified as a Variant of Uncertain Significance. Experimental studies and prediction algorithms are not available or were not evaluated, and the functional significance of this variant is currently unknown. This variant has not been reported in the literature in individuals with STK11-related conditions. ClinVar contains an entry for this variant (Variation ID: 458011). This variant is not present in population databases (ExAC no frequency). This variant, c.11_13del, results in the deletion of 1 amino acid of the STK11 protein (p.Val4del), but otherwise preserves the integrity of the reading frame.

Color Diagnostics, LLC DBA Color Health
Classification: Uncertain significance for Hereditary cancer-predisposing syndrome. Last evaluated: 2019-02-19. Review status: criteria provided, single submitter. Criteria: ACMG Guidelines, 2015. Collection method: clinical testing. Allele origin: germline.